The following is an entry in ClinVar:

ClinVar aggregate classification (germline): Uncertain significance (1 of 4 stars; one submission).

Conditions:
Spermatogenic failure 18. Identifiers: MedGen C4539783, MONDO:0054615, OMIM 617576.
Ciliary dyskinesia, primary, 37 (CILD37). Also called: CILIARY DYSKINESIA, PRIMARY, 37, WITH OR WITHOUT SITUS INVERSUS. Identifiers: MedGen C4539798, MONDO:0033204, OMIM 617577.

Submission:

Labcorp Genetics (formerly Invitae), Labcorp
Classification: Uncertain significance for Ciliary dyskinesia, primary, 37; Spermatogenic failure 18. Last evaluated: 2022-07-15. Review status: criteria provided, single submitter. Criteria: Invitae Variant Classification Sherloc (09022015). Collection method: clinical testing. Allele origin: germline.
Comment: This sequence change replaces isoleucine, which is neutral and non-polar, with valine, which is neutral and non-polar, at codon 1339 of the DNAH1 protein (p.Ile1339Val). This variant is not present in population databases (gnomAD no frequency). This variant has not been reported in the literature in individuals affected with DNAH1-related conditions. Advanced modeling of protein sequence and biophysical properties (such as structural, functional, and spatial information, amino acid conservation, physicochemical variation, residue mobility, and thermodynamic stability) performed at Invitae indicates that this missense variant is expected to disrupt DNAH1 protein function. In summary, the available evidence is currently insufficient to determine the role of this variant in disease. Therefore, it has been classified as a Variant of Uncertain Significance.

NM_015512.5(DNAH1):c.4015A>G (p.Ile1339Val)

Gene: DNAH1 (dynein axonemal heavy chain 1; plus strand). Cytogenetic location: 3p21.1.
Variant type: single nucleotide variant.
Coding change: c.4015A>G on transcript NM_015512.5 (MANE Select); coding-DNA position 4015, A replaced by G.
Protein change: p.Ile1339Val; replaces isoleucine 1339 with valine.
Molecular consequence: missense variant.
Genome position (GRCh38, 1-based): chr3:52,357,932, A>G. VCF-style: chr3-52357932-A-G. GRCh37 (hg19) VCF-style: chr3-52391948-A-G.
Other names: short protein forms I1339V.
Identifiers: ClinVar variation 2056398 (VCV002056398.4), dbSNP rs2471200163, ClinGen allele CA353123602.
Genomic context (GRCh38, chr3:52,357,932, plus strand): 5'-CTTCCTCACCCCTGTTCCCCTGGCAGATTCTACTTCCTGTCAGATGATGAACTACTAGAG[A>G]TCTTGTCGCAGACAAAGGACCCCACGGCCGTGCAGCCACACCTGCGCAAGTGCTTCGAGA-3'
Protein context (NP_056327.4, residues 1329-1349): YFLSDDELLE[Ile1339Val]LSQTKDPTAV